The following is an entry in ClinVar:

NM_130839.5(UBE3A):c.2391A>T (p.Glu797Asp)

Genes: SNHG14 (small nucleolar RNA host gene 14; plus strand), UBE3A (ubiquitin protein ligase E3A; minus strand). Cytogenetic location: 15q11.2.
Variant type: single nucleotide variant.
Coding change: c.2391A>T on transcript NM_130839.5 (MANE Select); coding-DNA position 2391, A replaced by T.
Protein change: p.Glu797Asp; replaces glutamic acid 797 with aspartic acid.
Molecular consequence: missense variant. On other transcripts: non-coding transcript variant (1).
Genome position (GRCh38, 1-based): chr15:25,340,192, T>A on the plus strand (A>T on the coding strand, the complement: UBE3A is on the minus strand). VCF-style: chr15-25340192-T-A. GRCh37 (hg19) VCF-style: chr15-25585339-T-A.
Other names: c.2400A>T, p.Glu800Asp (NM_000462.5); c.2391A>T, p.Glu797Asp (NM_001354505.1, NM_001354538.2); c.2331A>T, p.Glu777Asp (NM_001354506.2, NM_001354507.2, NM_001354508.2 and 14 more transcripts); c.2235A>T, p.Glu745Asp (NM_001354545.2); c.2214A>T, p.Glu738Asp (NM_001354546.2); c.2175A>T, p.Glu725Asp (NM_001354547.2, NM_001354548.2); c.2166A>T, p.Glu722Asp (NM_001354549.2); c.1140A>T, p.Glu380Asp (NM_001354550.2); and 1 more; short protein forms E722D, E725D, E738D, E745D, E380D, E797D, E777D, E800D.
Identifiers: ClinVar variation 2162613 (VCV002162613.4), dbSNP rs1243756625, ClinGen allele CA391351187.

ClinVar aggregate classification (germline): Uncertain significance (1 of 4 stars; one submission).

Conditions:
Angelman syndrome (AS). Also called: HAPPY PUPPET SYNDROME. Identifiers: Orphanet 72, MedGen C0162635, MONDO:0007113, OMIM 105830. Disease mechanism: loss of function. Inheritance: imprinting disorder, AS is caused by disruption of maternally imprinted UBE3A located within the 15q11.2-q13 Angelman syndrome/Prader-Willi syndrome (AS/PWS) region..

Allele frequency attached by ClinVar (database versions not stated): gnomAD exomes below 0.00001; gnomAD 0.00001.
gnomAD v4.1: 3 of 1,613,824 alleles (0.00019%); highest among the groups gnomAD compares: Non-Finnish European, 0.00025%; no homozygotes.

Submission:

Labcorp Genetics (formerly Invitae), Labcorp
Classification: Uncertain significance for Angelman syndrome. Last evaluated: 2024-06-04. Review status: criteria provided, single submitter. Criteria: Invitae Variant Classification Sherloc (09022015). Collection method: clinical testing. Allele origin: germline.
Comment: This sequence change replaces glutamic acid, which is acidic and polar, with aspartic acid, which is acidic and polar, at codon 777 of the UBE3A protein (p.Glu777Asp). This variant is present in population databases (no rsID available, gnomAD 0.007%). This variant has not been reported in the literature in individuals affected with UBE3A-related conditions. ClinVar contains an entry for this variant (Variation ID: 2162613). Advanced modeling of protein sequence and biophysical properties (such as structural, functional, and spatial information, amino acid conservation, physicochemical variation, residue mobility, and thermodynamic stability) performed at Invitae indicates that this missense variant is not expected to disrupt UBE3A protein function with a negative predictive value of 80%. In summary, the available evidence is currently insufficient to determine the role of this variant in disease. Therefore, it has been classified as a Variant of Uncertain Significance.